The following is an entry in ClinVar:

NM_005807.6(PRG4):c.1320dup (p.Lys441fs)

Gene: PRG4 (proteoglycan 4; plus strand). Cytogenetic location: 1q31.1.
Variant type: Duplication.
Coding change: c.1320dup on transcript NM_005807.6 (MANE Select); coding-DNA position 1320, one base duplicated (C; older notation c.1320dupC).
Protein change: p.Lys441fs; shifts the reading frame from lysine 441.
Molecular consequence: frameshift variant.
Genome position (GRCh38, 1-based): chr1:186,307,039, C duplicated; the last of 5 consecutive C bases (chr1:186,307,035-186,307,039); duplicating any one gives the same sequence. VCF-style (leftmost placement, unchanged base first): chr1-186307034-A-AC. GRCh37 (hg19) VCF-style: chr1-186276166-A-AC.
Other names: c.1197dup, p.Lys400fs (NM_001127708.3); c.1041dup, p.Lys348fs (NM_001127709.3); c.918dup, p.Lys307fs (NM_001127710.3); c.1191dup, p.Lys398fs (NM_001303232.2); short protein forms K307fs, K348fs, K398fs, K400fs, K441fs.
Identifiers: ClinVar variation 987918 (VCV000987918.4), dbSNP rs1557943002, ClinGen allele CA1139656451.

ClinVar aggregate classification (germline): Pathogenic. Review status: criteria provided, multiple submitters, no conflicts (2 of 4 stars). 2 submissions from 2 submitters: Pathogenic (2). Last evaluated 2024-10-04.

Conditions:
Camptodactyly-arthropathy-coxa vara-pericarditis syndrome. Also called: FIBROSING SEROSITIS, FAMILIAL; JACOBS SYNDROME; PAC SYNDROME; Arthropathy camptodactyly syndrome; Pericarditis arthropathy camptodactyly syndrome; Congenital familial hypertrophic synovitis. Identifiers: Orphanet 2848, MedGen C1859690, MONDO:0008828, OMIM 208250.

Submissions (2):

Dubai Health Genomic Medicine Center, Dubai Health
Classification: Pathogenic for Camptodactyly-arthropathy-coxa vara-pericarditis syndrome. Last evaluated: 2024-10-04. Review status: criteria provided, single submitter. Criteria: ACMG Guidelines, 2015. Collection method: research. Allele origin: germline. Affected: yes.
Comment: PVS1,PM2,PM3

Genomic Medicine Center of Excellence, King Faisal Specialist Hospital and Research Centre
Classification: Pathogenic for Camptodactyly-arthropathy-coxa vara-pericarditis syndrome. Last evaluated: 2024-09-22. Review status: criteria provided, single submitter. Criteria: ACMG Guidelines, 2015. Collection method: clinical testing. Allele origin: germline.